The following is an entry in ClinVar:

NM_207352.4(CYP4V2):c.773T>C (p.Leu258Pro)

Gene: CYP4V2 (cytochrome P450 family 4 subfamily V member 2; plus strand). Cytogenetic location: 4q35.1.
Variant type: single nucleotide variant.
Coding change: c.773T>C on transcript NM_207352.4 (MANE Select); coding-DNA position 773, T replaced by C.
Protein change: p.Leu258Pro; replaces leucine 258 with proline.
Molecular consequence: missense variant.
Genome position (GRCh38, 1-based): chr4:186,199,055, T>C. VCF-style: chr4-186199055-T-C. GRCh37 (hg19) VCF-style: chr4-187120209-T-C.
Other names: short protein forms L258P.
Identifiers: ClinVar variation 3776220 (VCV003776220.1).

ClinVar aggregate classification (germline): Uncertain significance (1 of 4 stars; one submission).

Conditions:
Bietti crystalline corneoretinal dystrophy (BCD). Also called: Bietti Crystalline Dystrophy; BIETTI TAPETORETINAL DEGENERATION WITH MARGINAL CORNEAL DYSTROPHY. Identifiers: Orphanet 41751, MedGen C1859486, MONDO:0008865, OMIM 210370.

Submission:

3billion
Classification: Uncertain significance for Bietti crystalline corneoretinal dystrophy. Last evaluated: 2024-01-23. Review status: criteria provided, single submitter. Criteria: ACMG Guidelines, 2015. Collection method: clinical testing. Allele origin: germline. Affected: yes.
Comment: The variant is not observed in the gnomAD v2.1.1 dataset. Predicted Consequence/Location: Missense variant In silico tool predictions suggest damaging effect of the variant on gene or gene product [REVEL: 0.80 (>=0.6, sensitivity 0.68 and specificity 0.92)]. A different missense change at the same codon (p.Leu258Phe) has been reported to be associated with CYP4V2 related disorder (PMID: 22205354). However the evidence of pathogenicity is insufficient at this time. Therefore, this variant is classified as VUS according to the recommendation of ACMG/AMP guideline.

Literature cited by the submitters: PubMed 22205354.